The following is an entry in ClinVar:

ClinVar aggregate classification (germline): Likely pathogenic (1 of 4 stars; one submission).

Conditions:
Hereditary breast ovarian cancer syndrome. Also called: Breast and ovarian cancer; BRCA1- and BRCA2-Associated Hereditary Breast and Ovarian Cancer; Hereditary breast and ovarian cancer syndrome; Hereditary breast and/or ovarian cancer syndrome; Hereditary breast and ovarian cancer; Hereditary breast and ovarian cancer syndrome (HBOC). Identifiers: Orphanet 145, MedGen C0677776, MeSH D061325, MONDO:0003582. Disease mechanism: loss of function.

Submission:

Labcorp Genetics (formerly Invitae), Labcorp
Classification: Likely pathogenic for Hereditary breast ovarian cancer syndrome. Last evaluated: 2022-09-21. Review status: criteria provided, single submitter. Criteria: Invitae Variant Classification Sherloc (09022015). Collection method: clinical testing. Allele origin: germline.
Comment: This variant results in a copy number gain of the genomic region encompassing exon(s) 17-19 of the BRCA1 gene. While the exact position of this variant cannot be determined from the data, sub-genic copy number gains are generally in tandem (PMID: 25640679). This variant is predicted to be out-of-frame, and may result in an absent or disrupted protein product. Loss-of-function variants in BRCA1 are known to be pathogenic (PMID: 20104584). A similar copy number variant has been observed in individual(s) with clinical features of BRCA1-related conditions (PMID: 12203994, 18330910). This variant is also known as gain of exons 18-20. In summary, the currently available evidence indicates that the variant is pathogenic, but additional data are needed to prove that conclusively. Therefore, this variant has been classified as Likely Pathogenic.

Literature cited by the submitters: PubMed 25640679; PubMed 20104584; PubMed 12203994; PubMed 18330910.

NC_000017.10:g.(?_41209048)_(41215988_?)dup

Gene: BRCA1 (BRCA1 DNA repair associated; minus strand). Cytogenetic location: 17q21.31.
Variant type: Duplication.
Identifiers: ClinVar variation 1067333 (VCV001067333.2).